The following is an entry in ClinVar:

ClinVar aggregate classification (germline): Uncertain significance. Review status: criteria provided, multiple submitters, no conflicts (2 of 4 stars). 2 submissions from 2 submitters: Uncertain significance (2). Last evaluated 2021-08-02.

Conditions:
Inborn genetic diseases. Identifiers: MedGen C0950123, MeSH D030342.

Allele frequency attached by ClinVar (database versions not stated): gnomAD exomes 0.00006 and 0.00013; ExAC 0.00017; gnomAD 0.00029; TOPMed 0.00042; 1000 Genomes Project 30x 0.00062; ESP Exome Variant Server 0.00062; 1000 Genomes Project 0.00080.
gnomAD v4.1: 138 of 1,614,184 alleles (0.0085%); highest among the groups gnomAD compares: African/African-American, 0.11%; no homozygotes.

Submissions (2):

Ambry Genetics
Classification: Uncertain significance for Inborn genetic diseases. Last evaluated: 2021-08-02. Review status: criteria provided, single submitter. Criteria: Ambry Variant Classification Scheme 2023. Collection method: clinical testing. Allele origin: germline.

GeneDx
Classification: Uncertain significance. Last evaluated: 2021-02-02. Review status: criteria provided, single submitter. Criteria: GeneDx Variant Classification Process June 2021. Collection method: clinical testing. Allele origin: germline. Affected: yes.
Comment: In silico analysis supports that this missense variant has a deleterious effect on protein structure/function; Has not been previously published as pathogenic or benign to our knowledge

NM_003235.5(TG):c.8147C>T (p.Ser2716Phe)

Gene: TG (thyroglobulin; plus strand). Cytogenetic location: 8q24.22.
Variant type: single nucleotide variant.
Coding change: c.8147C>T on transcript NM_003235.5 (MANE Select); coding-DNA position 8147, C replaced by T.
Protein change: p.Ser2716Phe; replaces serine 2716 with phenylalanine.
Molecular consequence: missense variant.
Genome position (GRCh38, 1-based): chr8:133,133,619, C>T. VCF-style: chr8-133133619-C-T. GRCh37 (hg19) VCF-style: chr8-134145863-C-T.
Other names: short protein forms S2716F.
Identifiers: ClinVar variation 1214076 (VCV001214076.6), dbSNP rs115574138, ClinGen allele CA4885905.